The following is an entry in ClinVar:

ClinVar aggregate classification (germline): Uncertain significance (1 of 4 stars; one submission).

Conditions:
Malignant hyperthermia, susceptibility to, 5 (MHS5). Also called: CACNA1S-Related Malignant Hyperthermia Susceptibility. Identifiers: Orphanet 423, MedGen C1866077, MONDO:0011163, OMIM 601887.

Submission:

All of Us Research Program, National Institutes of Health
Classification: Uncertain significance for Malignant hyperthermia, susceptibility to, 5. Last evaluated: 2023-11-02. Review status: criteria provided, single submitter. Criteria: ACMG Guidelines, 2015. Collection method: clinical testing. Allele origin: germline. Inheritance: Autosomal dominant inheritance. Observed: 1 variant allele, 1 heterozygote.
Comment: This missense variant replaces glutamic acid with aspartic acid at codon 240 of the CACNA1S protein. Computational prediction suggests that this variant may not impact protein structure and function (internally defined REVEL score threshold <= 0.5, PMID: 27666373). To our knowledge, functional studies have not been reported for this variant. This variant has not been reported in individuals affected with CACNA1S-related disorders in the literature. This variant has not been identified in the general population by the Genome Aggregation Database (gnomAD). The available evidence is insufficient to determine the role of this variant in disease conclusively. Therefore, this variant is classified as a Variant of Uncertain Significance.

This study involves interpretation of variants in research participants for the purpose of population health screening. Participant phenotype was not available at the time of variant classification. Additional details can be found in publication PMID: 35346344, PMCID: PMC8962531

NM_000069.3(CACNA1S):c.720A>C (p.Glu240Asp)

Gene: CACNA1S (calcium voltage-gated channel subunit alpha1 S; minus strand). Cytogenetic location: 1q32.1.
Variant type: single nucleotide variant.
Coding change: c.720A>C on transcript NM_000069.3 (MANE Select); coding-DNA position 720, A replaced by C.
Protein change: p.Glu240Asp; replaces glutamic acid 240 with aspartic acid.
Molecular consequence: missense variant.
Genome position (GRCh38, 1-based): chr1:201,089,438, T>G on the plus strand (A>C on the coding strand, the complement: CACNA1S is on the minus strand). VCF-style: chr1-201089438-T-G. GRCh37 (hg19) VCF-style: chr1-201058566-T-G.
Other names: short protein forms E240D.
Identifiers: ClinVar variation 3074397 (VCV003074397.1), dbSNP rs761243694, ClinGen allele CA344136851.